The following is an entry in ClinVar:

ClinVar aggregate classification (germline): Uncertain significance (1 of 4 stars; one submission).

gnomAD v4.1: 2 of 1,614,152 alleles (0.00012%); highest among the groups gnomAD compares: East Asian, 0.0022%; no homozygotes.

Submission:

Labcorp Genetics (formerly Invitae), Labcorp
Classification: Uncertain significance. Last evaluated: 2024-11-23. Review status: criteria provided, single submitter. Criteria: Invitae Variant Classification Sherloc (09022015). Collection method: clinical testing. Allele origin: germline.
Comment: This sequence change replaces serine, which is neutral and polar, with asparagine, which is neutral and polar, at codon 810 of the ADGRE2 protein (p.Ser810Asn). This variant is present in population databases (no rsID available, gnomAD 0.003%). This variant has not been reported in the literature in individuals affected with ADGRE2-related conditions. An algorithm developed to predict the effect of missense changes on protein structure and function (PolyPhen-2) suggests that this variant is likely to be disruptive. In summary, the available evidence is currently insufficient to determine the role of this variant in disease. Therefore, it has been classified as a Variant of Uncertain Significance.

NM_013447.4(ADGRE2):c.2429G>A (p.Ser810Asn)

Gene: ADGRE2 (adhesion G protein-coupled receptor E2; minus strand). Cytogenetic location: 19p13.12.
Variant type: single nucleotide variant.
Coding change: c.2429G>A on transcript NM_013447.4 (MANE Select); coding-DNA position 2429, G replaced by A.
Protein change: p.Ser810Asn; replaces serine 810 with asparagine.
Molecular consequence: missense variant.
Genome position (GRCh38, 1-based): chr19:14,743,454, C>T on the plus strand (G>A on the coding strand, the complement: ADGRE2 is on the minus strand). VCF-style: chr19-14743454-C-T. GRCh37 (hg19) VCF-style: chr19-14854266-C-T.
Other names: c.2255G>A, p.Ser752Asn (NM_001271052.1); c.2282G>A, p.Ser761Asn (NM_152916.2); c.2150G>A, p.Ser717Asn (NM_152917.2); short protein forms S752N, S761N, S717N, S810N.
Identifiers: ClinVar variation 3725104 (VCV003725104.2).